The following is an entry in ClinVar:

NM_020632.3(ATP6V0A4):c.2413G>A (p.Ala805Thr)

Gene: ATP6V0A4 (ATPase H+ transporting V0 subunit a4; minus strand). Cytogenetic location: 7q34.
Variant type: single nucleotide variant.
Coding change: c.2413G>A on transcript NM_020632.3 (MANE Select); coding-DNA position 2413, G replaced by A.
Protein change: p.Ala805Thr; replaces alanine 805 with threonine.
Molecular consequence: missense variant.
Genome position (GRCh38, 1-based): chr7:138,709,640, C>T on the plus strand (G>A on the coding strand, the complement: ATP6V0A4 is on the minus strand). VCF-style: chr7-138709640-C-T. GRCh37 (hg19) VCF-style: chr7-138394385-C-T.
Other names: c.2413G>A, p.Ala805Thr (NM_130840.3, NM_130841.3); short protein forms A805T.
Identifiers: ClinVar variation 1916624 (VCV001916624.4), dbSNP rs369999617, ClinGen allele CA4504434.

ClinVar aggregate classification (germline): Uncertain significance. Review status: criteria provided, multiple submitters, no conflicts (2 of 4 stars). 2 submissions from 2 submitters: Uncertain significance (2). Last evaluated 2024-10-08.

Allele frequency attached by ClinVar (database versions not stated): gnomAD 0.00001; gnomAD exomes 0.00002; TOPMed 0.00002; ExAC 0.00003; ESP Exome Variant Server 0.00015.
gnomAD v4.1: 33 of 1,612,552 alleles (0.002%); highest among the groups gnomAD compares: African/African-American, 0.0053%; no homozygotes.

Submissions (2):

Blueprint Genetics
Classification: Uncertain significance. Last evaluated: 2024-10-08. Review status: criteria provided, single submitter. Criteria: ACMG Guidelines, 2015. Collection method: clinical testing. Allele origin: germline.

Labcorp Genetics (formerly Invitae), Labcorp
Classification: Uncertain significance. Last evaluated: 2022-02-18. Review status: criteria provided, single submitter. Criteria: Invitae Variant Classification Sherloc (09022015). Collection method: clinical testing. Allele origin: germline.
Comment: In summary, the available evidence is currently insufficient to determine the role of this variant in disease. Therefore, it has been classified as a Variant of Uncertain Significance. Algorithms developed to predict the effect of missense changes on protein structure and function are either unavailable or do not agree on the potential impact of this missense change (SIFT: "Tolerated"; PolyPhen-2: "Probably Damaging"; Align-GVGD: "Class C0"). This variant has not been reported in the literature in individuals affected with ATP6V0A4-related conditions. This variant is present in population databases (rs369999617, gnomAD 0.02%). This sequence change replaces alanine, which is neutral and non-polar, with threonine, which is neutral and polar, at codon 805 of the ATP6V0A4 protein (p.Ala805Thr).